The following is an entry in ClinVar:

ClinVar aggregate classification (germline): Likely pathogenic (1 of 4 stars; one submission).

Conditions:
Dystonia 28, childhood-onset (DYT28). Also called: KMT2B-Related Dystonia (DYT-KMT2B). Identifiers: Orphanet 589618, MedGen C4310633, MONDO:0015004, OMIM 617284.

Submission:

3billion
Classification: Likely pathogenic for Dystonia 28, childhood-onset. Last evaluated: 2025-01-06. Review status: criteria provided, single submitter. Criteria: ACMG Guidelines, 2015. Collection method: clinical testing. Allele origin: germline. Affected: yes.
Comment: The variant is not observed in the gnomAD v4.1.0 dataset. Predicted Consequence/Location: Stop-gained (nonsense): predicted to result in a loss or disruption of normal protein function through nonsense-mediated decay (NMD) or protein truncation. Multiple pathogenic variants are reported downstream of the variant. Therefore, this variant is classified as Likely pathogenic according to the recommendation of ACMG/AMP guideline.

NM_014727.3(KMT2B):c.2992C>T (p.Gln998Ter)

Gene: KMT2B (lysine methyltransferase 2B; plus strand). Cytogenetic location: 19q13.12.
Variant type: single nucleotide variant.
Coding change: c.2992C>T on transcript NM_014727.3 (MANE Select); coding-DNA position 2992, C replaced by T.
Protein change: p.Gln998Ter; replaces glutamine 998 with a stop codon.
Molecular consequence: nonsense.
Genome position (GRCh38, 1-based): chr19:35,723,264, C>T. VCF-style: chr19-35723264-C-T. GRCh37 (hg19) VCF-style: chr19-36214166-C-T.
Other names: short protein forms Q998*.
Identifiers: ClinVar variation 4293710 (VCV004293710.1).